The following is an entry in ClinVar:

NM_001348716.2(KDM6B):c.2626G>A (p.Gly876Arg)

Gene: KDM6B (lysine demethylase 6B; plus strand). Cytogenetic location: 17p13.1.
Variant type: single nucleotide variant.
Coding change: c.2626G>A on transcript NM_001348716.2 (MANE Select); coding-DNA position 2626, G replaced by A.
Protein change: p.Gly876Arg; replaces glycine 876 with arginine.
Molecular consequence: missense variant.
Genome position (GRCh38, 1-based): chr17:7,848,914, G>A. VCF-style: chr17-7848914-G-A. GRCh37 (hg19) VCF-style: chr17-7752232-G-A.
Other names: c.2626G>A, p.Gly876Arg (NM_001080424.2); c.2626G>A (NM_001080424.1); short protein forms G876R.
Identifiers: ClinVar variation 2672682 (VCV002672682.24), dbSNP rs199687664, ClinGen allele CA8360957.
Genomic context (GRCh38, chr17:7,848,914, plus strand): 5'-AGCGCCCAGGGCTCCCCACAGCCCTCTGCTTCCTCGTCATCTCAGTTCTCTACCTCAGGC[G>A]GGCCCTGGGCCCGGGAGCGCAGGGCGGGCGAAGAGCCAGTCCCGGGCCCCATGACCCCCA-3'
Protein context (NP_001335645.1, residues 866-886): SSSSQFSTSG[Gly876Arg]PWARERRAGE

ClinVar aggregate classification (germline): Likely benign. Review status: criteria provided, multiple submitters, no conflicts (2 of 4 stars). 2 submissions from 2 submitters: Likely benign (2). Last evaluated 2026-07-01.

Conditions:
Inborn genetic diseases. Identifiers: MedGen C0950123, MeSH D030342.

Allele frequency attached by ClinVar (database versions not stated): ExAC 0.00007; TOPMed 0.00013; 1000 Genomes Project 30x 0.00016; ESP Exome Variant Server 0.00016; gnomAD 0.00017; 1000 Genomes Project 0.00020; gnomAD exomes 0.00020.
gnomAD v4.1: 329 of 1,602,072 alleles (0.021%); highest among the groups gnomAD compares: Non-Finnish European, 0.025%; no homozygotes.

Submissions (2):

CeGaT Center for Human Genetics Tuebingen
Classification: Likely benign. Last evaluated: 2026-07-01. Review status: criteria provided, single submitter. Criteria: CeGaT Center For Human Genetics Tuebingen Variant Classification Criteria Version 2. Collection method: clinical testing. Allele origin: germline. Affected: yes. Observed: 2 variant alleles.
Comment: KDM6B: BS2

Ambry Genetics
Classification: Likely benign for Inborn genetic diseases. Last evaluated: 2025-06-18. Review status: criteria provided, single submitter. Criteria: Ambry Variant Classification Scheme 2023. Collection method: clinical testing. Allele origin: germline.